The following is an entry in ClinVar:

NM_000368.5(TSC1):c.2888T>C (p.Leu963Ser)

Gene: TSC1 (TSC complex subunit 1; minus strand). Cytogenetic location: 9q34.13.
Variant type: single nucleotide variant.
Coding change: c.2888T>C on transcript NM_000368.5 (MANE Select); coding-DNA position 2888, T replaced by C.
Protein change: p.Leu963Ser; replaces leucine 963 with serine.
Molecular consequence: missense variant.
Genome position (GRCh38, 1-based): chr9:132,897,271, A>G on the plus strand (T>C on the coding strand, the complement: TSC1 is on the minus strand). VCF-style: chr9-132897271-A-G. GRCh37 (hg19) VCF-style: chr9-135772658-A-G.
Other names: c.2885T>C, p.Leu962Ser (NM_001162426.2); c.2735T>C, p.Leu912Ser (NM_001162427.2); c.2525T>C, p.Leu842Ser (NM_001362177.2); short protein forms L842S, L912S, L962S, L963S.
Identifiers: ClinVar variation 1488488 (VCV001488488.6), dbSNP rs2131626118, ClinGen allele CA375368783.

ClinVar aggregate classification (germline): Uncertain significance (1 of 4 stars; one submission).

Conditions:
Tuberous sclerosis 1 (TSC1). Identifiers: Orphanet 805, MedGen C1854465, MONDO:0008612, OMIM 191100.

Submission:

Labcorp Genetics (formerly Invitae), Labcorp
Classification: Uncertain significance for Tuberous sclerosis 1. Last evaluated: 2025-03-13. Review status: criteria provided, single submitter. Criteria: Invitae Variant Classification Sherloc (09022015). Collection method: clinical testing. Allele origin: germline.
Comment: This sequence change replaces leucine, which is neutral and non-polar, with serine, which is neutral and polar, at codon 963 of the TSC1 protein (p.Leu963Ser). This variant is not present in population databases (gnomAD no frequency). This variant has not been reported in the literature in individuals affected with TSC1-related conditions. ClinVar contains an entry for this variant (Variation ID: 1488488). Invitae Evidence Modeling of protein sequence and biophysical properties (such as structural, functional, and spatial information, amino acid conservation, physicochemical variation, residue mobility, and thermodynamic stability) indicates that this missense variant is not expected to disrupt TSC1 protein function with a negative predictive value of 95%. Experimental studies have shown that this missense change does not substantially affect TSC1 function (PMID: 24714658). In summary, the available evidence is currently insufficient to determine the role of this variant in disease. Therefore, it has been classified as a Variant of Uncertain Significance.

Literature cited by the submitters: PubMed 24714658.